The following is an entry in ClinVar:

ClinVar aggregate classification (germline): Uncertain significance (1 of 4 stars; one submission).

Conditions:
Ataxia-telangiectasia syndrome (AT). Also called: LOUIS-BAR SYNDROME; Ataxia telangiectasia (A-T); Ataxia-telangiectasia, complementation group D; Cerebello-oculocutaneous telangiectasia; Immunodeficiency with ataxia telangiectasia; Ataxia-telangiectasia. Identifiers: Orphanet 100, MedGen C0004135, MONDO:0008840, OMIM 208900.

Submission:

Labcorp Genetics (formerly Invitae), Labcorp
Classification: Uncertain significance for Ataxia-telangiectasia syndrome. Last evaluated: 2020-06-03. Review status: criteria provided, single submitter. Criteria: Invitae Variant Classification Sherloc (09022015). Collection method: clinical testing. Allele origin: germline.
Comment: This variant is not present in population databases (ExAC no frequency). This variant has not been reported in the literature in individuals with ATM-related conditions. Algorithms developed to predict the effect of missense changes on protein structure and function (SIFT, PolyPhen-2, Align-GVGD) all suggest that this variant is likely to be disruptive, but these predictions have not been confirmed by published functional studies and their clinical significance is uncertain. In summary, the available evidence is currently insufficient to determine the role of this variant in disease. Therefore, it has been classified as a Variant of Uncertain Significance. This sequence change replaces leucine with proline at codon 1862 of the ATM protein (p.Leu1862Pro). The leucine residue is highly conserved and there is a moderate physicochemical difference between leucine and proline.

NM_000051.4(ATM):c.5585T>C (p.Leu1862Pro)

Gene: ATM (ATM serine/threonine kinase; plus strand). Cytogenetic location: 11q22.3.
Variant type: single nucleotide variant.
Coding change: c.5585T>C on transcript NM_000051.4 (MANE Select); coding-DNA position 5585, T replaced by C.
Protein change: p.Leu1862Pro; replaces leucine 1862 with proline.
Molecular consequence: missense variant.
Genome position (GRCh38, 1-based): chr11:108,304,763, T>C. VCF-style: chr11-108304763-T-C. GRCh37 (hg19) VCF-style: chr11-108175490-T-C.
Other names: c.5585T>C, p.Leu1862Pro (NM_001351834.2); short protein forms L1862P.
Identifiers: ClinVar variation 862492 (VCV000862492.9), dbSNP rs1555107424, ClinGen allele CA382546157.